The following is an entry in ClinVar:

ClinVar aggregate classification (germline): Pathogenic (1 of 4 stars; one submission).

Conditions:
Wilms tumor 1 (WT1). Also called: Wilms tumor, somatic. Identifiers: Orphanet 654, MedGen CN033288, MONDO:0008679, OMIM 194070.
Drash syndrome (DDS). Also called: NEPHROPATHY, WILMS TUMOR, AND GENITAL ANOMALIES; WILMS TUMOR AND PSEUDO- OR TRUE HERMAPHRODITISM. Identifiers: Orphanet 220, MedGen C0950121, MONDO:0008682, OMIM 194080.
11p partial monosomy syndrome (WAGR). Also called: WAGR Spectrum Disorder; CHROMOSOME 11p13 DELETION SYNDROME; WAGR syndrome; WAGR Complex. Identifiers: Orphanet 893, MedGen C0206115, MONDO:0008681, OMIM 194072.
Frasier syndrome. Identifiers: Orphanet 347, MedGen C0950122, MeSH D052159, MONDO:0007635, OMIM 136680.

Submission:

Labcorp Genetics (formerly Invitae), Labcorp
Classification: Pathogenic for Wilms tumor 1; Drash syndrome; 11p partial monosomy syndrome; Frasier syndrome. Last evaluated: 2017-03-01. Review status: criteria provided, single submitter. Criteria: Invitae Variant Classification Sherloc (09022015). Collection method: clinical testing. Allele origin: germline.
Comment: For these reasons, this variant has been classified as Pathogenic. While this particular deletion has not been reported in the literature, loss-of-function variants in WT1 are known to be pathogenic (PMID: 15150775). This variant is an out-of-frame deletion of the genomic region encompassing exons 4-7 of the WT1 gene. This creates a premature translational stop signal and is expected to result in an absent or disrupted protein product.

Literature cited by the submitters: PubMed 15150775.

NC_000011.10:g.(?_32396251)_(32417660_?)del

Gene: WT1 (WT1 transcription factor; minus strand). Cytogenetic location: 11p13.
Variant type: Deletion.
Identifiers: ClinVar variation 476672 (VCV000476672.10).